The following is an entry in ClinVar:

NM_003275.4(TMOD1):c.565C>T (p.Arg189Trp)

Gene: TMOD1 (tropomodulin 1; plus strand). Cytogenetic location: 9q22.33.
Variant type: single nucleotide variant.
Coding change: c.565C>T on transcript NM_003275.4 (MANE Select); coding-DNA position 565, C replaced by T.
Protein change: p.Arg189Trp; replaces arginine 189 with tryptophan.
Molecular consequence: missense variant.
Genome position (GRCh38, 1-based): chr9:97,564,115, C>T. VCF-style: chr9-97564115-C-T. GRCh37 (hg19) VCF-style: chr9-100326397-C-T.
Other names: c.565C>T, p.Arg189Trp (NM_001166116.2); short protein forms R189W.
Identifiers: ClinVar variation 3062028 (VCV003062028.2), dbSNP rs766826917, ClinGen allele CA5147327.

ClinVar aggregate classification (germline): Uncertain significance. Review status: criteria provided, multiple submitters, no conflicts (2 of 4 stars). 2 submissions from 2 submitters: Uncertain significance (2). Last evaluated 2024-09-12.

Conditions:
Idiopathic cardiomyopathy. Identifiers: MedGen C0033141, MeSH D009202, MONDO:0005110.

Allele frequency attached by ClinVar (database versions not stated): TOPMed 0.00002; gnomAD 0.00003; ExAC 0.00009.
gnomAD v4.1: 68 of 1,613,832 alleles (0.0042%); highest among the groups gnomAD compares: Middle Eastern, 0.016%; no homozygotes.

Submissions (2):

Blueprint Genetics
Classification: Uncertain significance. Last evaluated: 2024-09-12. Review status: criteria provided, single submitter. Criteria: ACMG Guidelines, 2015. Collection method: clinical testing. Allele origin: germline.

SIB Swiss Institute of Bioinformatics
Classification: Uncertain significance for Idiopathic cardiomyopathy. Last evaluated: 2024-03-18. Review status: criteria provided, single submitter. Criteria: ACMG Guidelines, 2015. Collection method: curation. Allele origin: unknown. Affected: yes.
Comment: This variant is interpreted for childhood-onset cardiomyopathy, autosomal recessive. The following ACMG Tag(s) were applied: Absent from controls (or at extremely low frequency if recessive) in Exome Sequencing Project, 1000 Genomes Project, or Exome Aggregation Consortium (PM2); Multiple lines of computational evidence support a deleterious effect on the gene or gene product (PP3); Well-established functional studies show a deleterious effect (PS3-supporting).

Literature cited by the submitters: PubMed 38168645 (cited by SIB Swiss Institute of Bioinformatics).